The following is an entry in ClinVar:

NM_020822.3(KCNT1):c.1099C>T (p.Arg367Cys)

Gene: KCNT1 (potassium sodium-activated channel subfamily T member 1; plus strand). Cytogenetic location: 9q34.3.
Variant type: single nucleotide variant.
Coding change: c.1099C>T on transcript NM_020822.3 (MANE Select); coding-DNA position 1099, C replaced by T.
Protein change: p.Arg367Cys; replaces arginine 367 with cysteine.
Molecular consequence: missense variant.
Genome position (GRCh38, 1-based): chr9:135,765,094, C>T. VCF-style: chr9-135765094-C-T. GRCh37 (hg19) VCF-style: chr9-138656940-C-T.
Other names: c.964C>T, p.Arg322Cys (NM_001272003.2); short protein forms R322C, R367C.
Identifiers: ClinVar variation 2037915 (VCV002037915.4), dbSNP rs780633460, ClinGen allele CA5326771.

ClinVar aggregate classification (germline): Uncertain significance (1 of 4 stars; one submission).

Conditions:
Developmental and epileptic encephalopathy, 14 (DEE14). Also called: Early infantile epileptic encephalopathy 14. Identifiers: Orphanet 293181, MedGen C3554195, MONDO:0013989, OMIM 614959.
Autosomal dominant nocturnal frontal lobe epilepsy 5. Also called: Epilepsy, nocturnal frontal lobe, 5; CILIARY DYSKINESIA, PRIMARY, 28, WITH SITUS INVERSUS; CILIARY DYSKINESIA, PRIMARY, 28, WITHOUT SITUS INVERSUS; KCNT1-Related Epilepsy. Identifiers: Orphanet 98784, MedGen C3554306, MONDO:0014002, OMIM 615005.

Allele frequency attached by ClinVar (database versions not stated): ExAC 0.00001; gnomAD exomes 0.00001.
gnomAD v4.1: 3 of 1,613,448 alleles (0.00019%); highest among the groups gnomAD compares: East Asian, 0.0022%; no homozygotes.

Submission:

Labcorp Genetics (formerly Invitae), Labcorp
Classification: Uncertain significance for Autosomal dominant nocturnal frontal lobe epilepsy 5; Developmental and epileptic encephalopathy, 14. Last evaluated: 2024-04-17. Review status: criteria provided, single submitter. Criteria: Invitae Variant Classification Sherloc (09022015). Collection method: clinical testing. Allele origin: germline.
Comment: This sequence change replaces arginine, which is basic and polar, with cysteine, which is neutral and slightly polar, at codon 367 of the KCNT1 protein (p.Arg367Cys). This variant is present in population databases (rs780633460, gnomAD 0.0009%). This variant has not been reported in the literature in individuals affected with KCNT1-related conditions. ClinVar contains an entry for this variant (Variation ID: 2037915). Advanced modeling of protein sequence and biophysical properties (such as structural, functional, and spatial information, amino acid conservation, physicochemical variation, residue mobility, and thermodynamic stability) has been performed at Invitae for this missense variant, however the output from this modeling did not meet the statistical confidence thresholds required to predict the impact of this variant on KCNT1 protein function. In summary, the available evidence is currently insufficient to determine the role of this variant in disease. Therefore, it has been classified as a Variant of Uncertain Significance.